The following is an entry in ClinVar:

ClinVar aggregate classification (germline): Uncertain significance (1 of 4 stars; one submission).

Allele frequency attached by ClinVar (database versions not stated): gnomAD exomes below 0.00001 and 0.00001.
gnomAD v4.1: 4 of 1,613,450 alleles (0.00025%); highest among the groups gnomAD compares: Non-Finnish European, 0.00034%; no homozygotes.

Submission:

Labcorp Genetics (formerly Invitae), Labcorp
Classification: Uncertain significance. Last evaluated: 2022-08-22. Review status: criteria provided, single submitter. Criteria: Invitae Variant Classification Sherloc (09022015). Collection method: clinical testing. Allele origin: germline.
Comment: In summary, the available evidence is currently insufficient to determine the role of this variant in disease. Therefore, it has been classified as a Variant of Uncertain Significance. Experimental studies and prediction algorithms are not available or were not evaluated, and the functional significance of this variant is currently unknown. ClinVar contains an entry for this variant (Variation ID: 1462281). This variant has not been reported in the literature in individuals affected with COL18A1-related conditions. This variant is present in population databases (no rsID available, gnomAD 0.0009%). This sequence change replaces isoleucine, which is neutral and non-polar, with methionine, which is neutral and non-polar, at codon 135 of the COL18A1 protein (p.Ile135Met).

NM_001379500.1(COL18A1):c.405C>G (p.Ile135Met)

Gene: COL18A1 (collagen type XVIII alpha 1 chain; plus strand). Cytogenetic location: 21q22.3.
Variant type: single nucleotide variant.
Coding change: c.405C>G on transcript NM_001379500.1 (MANE Select); coding-DNA position 405, C replaced by G.
Protein change: p.Ile135Met; replaces isoleucine 135 with methionine.
Molecular consequence: missense variant.
Genome position (GRCh38, 1-based): chr21:45,468,540, C>G. VCF-style: chr21-45468540-C-G. GRCh37 (hg19) VCF-style: chr21-46888454-C-G.
Other names: c.945C>G, p.Ile315Met (NM_030582.4); c.1650C>G, p.Ile550Met (NM_130444.3); short protein forms I550M, I315M, I135M.
Identifiers: ClinVar variation 1462281 (VCV001462281.6), dbSNP rs1196442604, ClinGen allele CA410511977.